The following is an entry in ClinVar:

NM_004360.5(CDH1):c.832+1G>A

Gene: CDH1 (cadherin 1; plus strand). Cytogenetic location: 16q22.1.
Variant type: single nucleotide variant.
Coding change: c.832+1G>A on transcript NM_004360.5 (MANE Select); the canonical splice donor site of the intron after coding-DNA position 832, G replaced by A.
Molecular consequence: splice donor variant.
Genome position (GRCh38, 1-based): chr16:68,810,342, G>A. VCF-style: chr16-68810342-G-A. GRCh37 (hg19) VCF-style: chr16-68844245-G-A.
Other names: c.-784+1G>A (NM_001317185.2); c.-988+1G>A (NM_001317186.2); c.832+1G>A (NM_001317184.2).
Identifiers: ClinVar variation 463795 (VCV000463795.44), dbSNP rs878854697, ClinGen allele CA396459027.
Genomic context (GRCh38, chr16:68,810,342, plus strand): 5'-ACAAGCCCGAATTCACCCAGGAGGTCTTTAAGGGGTCTGTCATGGAAGGTGCTCTTCCAG[G>A]TATATCCACTAATGAGAATCTGAATACTCAGAAAGACTCTTAGGTTCTTTGGACCCCAAA-3'

ClinVar aggregate classification (germline): Pathogenic. Review status: reviewed by expert panel (3 of 4 stars). 9 submissions from 9 submitters: Pathogenic (1). 8 of the submissions do not count toward it. Last evaluated 2024-03-25.

Conditions:
CDH1-related diffuse gastric and lobular breast cancer syndrome. Also called: CDH1-related diffuse gastric and lobular breast cancer. Identifiers: MedGen CN311521, MONDO:0100488.
Hereditary cancer-predisposing syndrome. Also called: Hereditary neoplastic syndrome; Neoplastic Syndromes, Hereditary; Tumor predisposition; Hereditary Cancer Syndrome. Identifiers: Orphanet 140162, MedGen C0027672, MeSH D009386, MONDO:0015356.
Hereditary diffuse gastric adenocarcinoma (HDGC). Also called: DIFFUSE GASTRIC AND LOBULAR BREAST CANCER SYNDROME. Identifiers: Orphanet 26106, MedGen C1708349, MONDO:0007648, OMIM 137215.
Malignant tumor of breast. Also called: Malignant breast neoplasm; Cancer breast. Identifiers: MedGen C0006142, MONDO:0007254. Disease mechanism: loss of function.

Allele frequency attached by ClinVar (database versions not stated): TOPMed below 0.00001.

Submissions (10):

Clingen Gastric Cancer Variant Curation Expert Panel
Classification: Pathogenic for CDH1-related diffuse gastric and lobular breast cancer syndrome. Last evaluated: 2024-03-25. Review status: reviewed by expert panel. Criteria: ClinGen CDH1 ACMG Specifications V3.1. Collection method: curation. Allele origin: germline. Inheritance: Autosomal dominant inheritance.
Comment: The CDH1 c.832+1G>A variant is a canonical splice variant in intron 6 predicted to result in a truncated or absent protein (PVS1_Strong, PM5_Supporting). The variant is absent from the gnomAD cohort (PM2_Supporting). This variant has been observed in three families meeting IGCLC criteria for HDGC (PS4_Moderate, internal clinical lab data). This variant has also been reported in the literature in families with LBC who do not meet criteria for HDGC (PMID: 36436516, 32489267, 34643667). RNA analysis demonstrated two out-of-frame transcripts, r.754_832del79 p.(V252Efs*4) and r.688_832del145 p.(L230Efs*4) (PS3; internal clinical lab data). In summary, this variant meets criteria to be classified as pathogenic based on the ACMG/AMP criteria applied as specified by the CDH1 Variant Curation Expert Panel (Variant Interpretation Guidelines Version 3.1): PVS1_Strong, PS3, PS4_Moderate, PM2_Supporting, PM5_Supporting.

Labcorp Genetics (formerly Invitae), Labcorp
Classification: Pathogenic for Hereditary diffuse gastric adenocarcinoma. Last evaluated: 2025-04-27. Review status: criteria provided, single submitter. Criteria: Invitae Variant Classification Sherloc (09022015). Collection method: clinical testing. Allele origin: germline. Not counted in ClinVar's aggregate classification.
Comment: This sequence change affects a donor splice site in intron 6 of the CDH1 gene. It is expected to disrupt RNA splicing. Variants that disrupt the donor or acceptor splice site typically lead to a loss of protein function (PMID: 16199547), and loss-of-function variants in CDH1 are known to be pathogenic (PMID: 15235021, 20373070). This variant is not present in population databases (gnomAD no frequency). Disruption of this splice site has been observed in individuals with diffuse gastric cancer (PMID: 23124477, 23709761, 26182300). ClinVar contains an entry for this variant (Variation ID: 463795). Algorithms developed to predict the effect of sequence changes on RNA splicing suggest that this variant may disrupt the consensus splice site. For these reasons, this variant has been classified as Pathogenic.

Ambry Genetics
Classification: Pathogenic for Hereditary cancer-predisposing syndrome. Last evaluated: 2023-11-09. Review status: criteria provided, single submitter. Criteria: Ambry Variant Classification Scheme 2023. Collection method: clinical testing. Allele origin: germline. Not counted in ClinVar's aggregate classification.
Comment: The c.832+1G>A pathogenic intronic mutation results from a G to A substitution one nucleotide after coding exon 6 of the CDH1 gene. This nucleotide position is highly conserved in available vertebrate species. In silico splice site analysis predicts that this alteration will weaken the native splice donor site and will result in the creation or strengthening of a novel splice donor site. RNA studies have demonstrated that this alteration results in abnormal splicing in the set of samples tested (Ambry internal data). In addition to the available clinical data, alterations that disrupt the canonical splice site are expected to cause aberrant splicing, resulting in an abnormal protein or a transcript that is subject to nonsense-mediated mRNA decay. As such, this alteration is classified as a disease-causing mutation.

Myriad Genetics, Inc.
Classification: Likely pathogenic for Hereditary diffuse gastric adenocarcinoma. Last evaluated: 2023-06-12. Review status: criteria provided, single submitter. Criteria: Myriad Autosomal Dominant, Autosomal Recessive and X-Linked Classification Criteria (2023). Collection method: clinical testing. Allele origin: unknown. Not counted in ClinVar's aggregate classification.
Comment: This variant is considered likely pathogenic. This variant occurs within a consensus splice junction and is predicted to result in abnormal mRNA splicing of either an out-of-frame exon or an in-frame exon necessary for protein stability and/or normal function.

Color Diagnostics, LLC DBA Color Health
Classification: Likely pathogenic for Hereditary cancer-predisposing syndrome. Last evaluated: 2019-10-15. Review status: criteria provided, single submitter. Criteria: ACMG Guidelines, 2015. Collection method: clinical testing. Allele origin: germline. Not counted in ClinVar's aggregate classification.
Comment: This variant causes a G>A nucleotide substitution at the +1 position of intron 6 of the CDH1 gene. Splice site prediction tools predict that this variant may have a significant impact on RNA splicing. To our knowledge, functional studies have not been performed for this variant. This variant has not been reported in individuals affected with hereditary cancer in the literature. This variant has not been identified in the general population by the Genome Aggregation Database (gnomAD). Loss of CDH1 function is a known mechanism of disease. Based on the available evidence, this variant is classified as Likely Pathogenic.

ARUP Laboratories, Molecular Genetics and Genomics, ARUP Laboratories
Classification: Pathogenic. Last evaluated: 2019-08-10. Review status: criteria provided, single submitter. Criteria: ARUP Molecular Germline Variant Investigation Process. Collection method: clinical testing. Allele origin: germline. Not counted in ClinVar's aggregate classification.
Comment: The CDH1 c.832+1G>A variant, to our knowledge, is not reported in the medical literature but is reported as likely pathogenic/pathogenic in ClinVar (Variation ID: 463795). This variant is absent from general population databases (Exome Variant Server, Genome Aggregation Database), indicating it is not a common polymorphism. A different variant at this codon, c.832+1G>T, is reported in the literature in an individual with hereditary diffuse gastric cancer (Benusiglio 2013). This is an intronic variant in a highly conserved nucleotide, and computational analyses (Alamut v.2.11) predict that this variant may impact splicing by abolishing the nearby canonical donor splice site. Based on available information, this variant is considered to be pathogenic. REFERENCES Benusiglio PR et al. Cleft lip, cleft palate, hereditary diffuse gastric cancer and germline mutations in CDH1. Int J Cancer. 2013 May 15;132(10):2470.

Department of Molecular Diagnostics, Institute of Oncology Ljubljana
Classification: Pathogenic for Hereditary cancer-predisposing syndrome. Last evaluated: 2018-10-24. Review status: criteria provided, single submitter. Criteria: ACMG Guidelines, 2015. Collection method: clinical testing. Allele origin: germline. Affected: yes. Not counted in ClinVar's aggregate classification.

BRCAlab, Lund University
Classification: Pathogenic for Hereditary cancer-predisposing syndrome. Last evaluated: 2022-08-26. Review status: no assertion criteria provided. Collection method: clinical testing. Allele origin: germline. Affected: yes. Not counted in ClinVar's aggregate classification.

Department of Pathology and Laboratory Medicine, Sinai Health System
Classification: Pathogenic for Malignant tumor of breast. Review status: no assertion criteria provided. Collection method: clinical testing. Allele origin: unknown. Affected: yes. Study: The Canadian Open Genetics Repository (COGR). Not counted in ClinVar's aggregate classification.
Comment: The CDH1 c.832+1G>A variant was identified in 1 of 86 proband chromosomes (frequency: 0.01) from individuals or families with diffuse gastric cancer (Brooks-Wilson 2004). The variant was also identified in ClinVar (classified as likely pathogenic by Invitae) and Cosmic (2x in breast tissue). The variant was not identified in dbSNP, the Zhejiang University Database, or the following control databases: the 1000 Genomes Project, the NHLBI GO Exome Sequencing Project, the Exome Aggregation Consortium (August 8th 2016), or the Genome Aggregation Database (Feb 27, 2017). The c.832+1G>A variant is predicted to cause abnormal splicing because the nucleotide substitution occurs in the invariant region of the splice consensus sequence. In addition, 4 of 4 in silico or computational prediction software programs (SpliceSiteFinder, MaxEntScan, NNSPLICE, GeneSplicer) predict a greater than 10% difference in splicing. It is predicted that the aberrant splicing would result in an in-frame deletion of exon 5 from the transcript, which is expected to be deleterious to the protein function (Brooks-Wilson 2004). In summary, based on the above information, this variant meets our laboratoryâ€šÃ„Ã´s criteria to be classified as pathogenic.

Dr. Peter K. Rogan Lab, Western University
No classification provided (evidence only). Condition: Familial cancer of breast. Review status: no classification provided. Collection method: in vitro. Allele origin: not applicable. Functional consequence: skipped exon, retained intron. Not counted in ClinVar's aggregate classification.

Literature cited by the submitters: PubMed 16199547 (cited by Labcorp Genetics (formerly Invitae), Labcorp); PubMed 15235021 (cited by Labcorp Genetics (formerly Invitae), Labcorp); PubMed 20373070 (cited by Labcorp Genetics (formerly Invitae), Labcorp); PubMed 23124477 (cited by Labcorp Genetics (formerly Invitae), Labcorp); PubMed 23709761 (cited by Labcorp Genetics (formerly Invitae), Labcorp); PubMed 26182300 (cited by Labcorp Genetics (formerly Invitae), Labcorp).